The following is an entry in ClinVar:

ClinVar aggregate classification (germline): Likely benign. Review status: criteria provided, single submitter (1 of 4 stars). 2 submissions from 2 submitters: Likely benign (1). 1 of the submissions does not count toward it. Last evaluated 2026-01-19.

Conditions:
Combined deficiency of sialidase AND beta galactosidase (GSL). Also called: CATHEPSIN A DEFICIENCY; GOLDBERG SYNDROME; Galactosialidosis; NEURAMINIDASE DEFICIENCY WITH BETA-GALACTOSIDASE DEFICIENCY; NEURAMINIDASE/BETA-GALACTOSIDASE EXPRESSION; PPCA DEFICIENCY. Identifiers: Orphanet 351, MedGen C0268233, MONDO:0009737, OMIM 256540.
CTSA-related disorder. Also called: CTSA-related condition.

Allele frequency attached by ClinVar (database versions not stated): gnomAD 0.00001; TOPMed 0.00003; ExAC 0.00007.
gnomAD v4.1: 28 of 1,613,372 alleles (0.0017%); highest among the groups gnomAD compares: Admixed American, 0.045%; no homozygotes.

Submissions (2):

Labcorp Genetics (formerly Invitae), Labcorp
Classification: Likely benign for Combined deficiency of sialidase AND beta galactosidase. Last evaluated: 2026-01-19. Review status: criteria provided, single submitter. Criteria: Invitae Variant Classification Sherloc (09022015). Collection method: clinical testing. Allele origin: germline.

PreventionGenetics, part of Exact Sciences
Classification: Likely benign for CTSA-related condition. Last evaluated: 2019-07-15. Review status: no assertion criteria provided. Collection method: clinical testing. Allele origin: germline. Not counted in ClinVar's aggregate classification.
Comment: This variant is classified as likely benign based on ACMG/AMP sequence variant interpretation guidelines (Richards et al. 2015 PMID: 25741868, with internal and published modifications).

NM_000308.4(CTSA):c.1152G>T (p.Leu384=)

Gene: CTSA (cathepsin A; plus strand). Cytogenetic location: 20q13.12.
Variant type: single nucleotide variant.
Coding change: c.1152G>T on transcript NM_000308.4 (MANE Select); coding-DNA position 1152, G replaced by T.
Protein change: p.Leu384=; no amino-acid change (leucine 384 retained).
Molecular consequence: synonymous variant. On other transcripts: non-coding transcript variant (1).
Genome position (GRCh38, 1-based): chr20:45,897,028, G>T. VCF-style: chr20-45897028-G-T. GRCh37 (hg19) VCF-style: chr20-44525667-G-T.
Other names: c.1152G>T, p.Leu384= (NM_001127695.3); c.1101G>T, p.Leu367= (NM_001167594.3); c.1206G>T (NM_000308.3).
Identifiers: ClinVar variation 1362058 (VCV001362058.10), dbSNP rs745547045, ClinGen allele CA9883301.